The following is an entry in ClinVar:

NM_015062.5(PPRC1):c.1394A>G (p.Lys465Arg)

Gene: PPRC1 (PPARG related coactivator 1; plus strand). Cytogenetic location: 10q24.32.
Variant type: single nucleotide variant.
Coding change: c.1394A>G on transcript NM_015062.5 (MANE Select); coding-DNA position 1394, A replaced by G.
Protein change: p.Lys465Arg; replaces lysine 465 with arginine.
Molecular consequence: missense variant.
Genome position (GRCh38, 1-based): chr10:102,139,902, A>G. VCF-style: chr10-102139902-A-G. GRCh37 (hg19) VCF-style: chr10-103899659-A-G.
Other names: c.1394A>G, p.Lys465Arg (NM_001288727.2); c.1034A>G, p.Lys345Arg (NM_001288728.2); short protein forms K345R, K465R.
Identifiers: ClinVar variation 2640779 (VCV002640779.24), dbSNP rs61756436, ClinGen allele CA5660839.

ClinVar aggregate classification (germline): Likely benign (1 of 4 stars; one submission).

Allele frequency attached by ClinVar (database versions not stated): 1000 Genomes Project 30x 0.00250; 1000 Genomes Project 0.00280; TOPMed 0.00488; ESP Exome Variant Server 0.00523; gnomAD exomes 0.00528; gnomAD 0.00590; ExAC 0.00633.
gnomAD v4.1: 8,657 of 1,614,262 alleles (0.54%); highest among the groups gnomAD compares: Non-Finnish European, 0.54%; 61 homozygotes.

Submission:

CeGaT Center for Human Genetics Tuebingen
Classification: Likely benign. Last evaluated: 2023-04-01. Review status: criteria provided, single submitter. Criteria: CeGaT Center For Human Genetics Tuebingen Variant Classification Criteria Version 2. Collection method: clinical testing. Allele origin: germline. Affected: yes. Observed: 2 variant alleles.
Comment: PPRC1: BP4, BS2